The following is an entry in ClinVar:

NM_000096.4(CP):c.3019-1G>A

Gene: CP (ceruloplasmin; minus strand). Cytogenetic location: 3q24.
Variant type: single nucleotide variant.
Coding change: c.3019-1G>A on transcript NM_000096.4 (MANE Select); the canonical splice acceptor site of the intron before coding-DNA position 3019, G replaced by A.
Molecular consequence: splice acceptor variant.
Genome position (GRCh38, 1-based): chr3:149,176,413, C>T on the plus strand (G>A on the coding strand, the complement: CP is on the minus strand). VCF-style: chr3-149176413-C-T. GRCh37 (hg19) VCF-style: chr3-148894200-C-T.
Other names: IVSAS, G-A, -1; c.3019-1G>A.
Identifiers: ClinVar variation 17559 (VCV000017559.15), dbSNP rs386134142, ClinGen allele CA127255.
Genomic context (GRCh38, chr3:149,176,413, plus strand): 5'-TAGGGTTTGGTATGTTCCAGGGAAAATGTCAAAGACATCAGAACTATAAACTCCCCTGTG[C>T]TTAATTAGAAAAATGACAAATAATGTATAATATTGTATATGAGAGTTCACTCATGTCATT-3'

ClinVar aggregate classification (germline): Pathogenic. Review status: criteria provided, single submitter (1 of 4 stars). 3 submissions from 3 submitters: Pathogenic (1). 2 of the submissions do not count toward it. Last evaluated 2019-07-16.

Conditions:
Deficiency of ferroxidase (ACEP). Also called: Ceruloplasmin deficiency; Familial apoceruloplasmin deficiency; Hereditary ceruloplasmin deficiency; Deficiency of ceruloplasmin; NEURODEGENERATION WITH BRAIN IRON ACCUMULATION 10; Aceruloplasminemia. Identifiers: Orphanet 48818, MedGen C0878682, MONDO:0011426, OMIM 604290, HP:0025498.

Submissions (3):

Labcorp Genetics (formerly Invitae), Labcorp
Classification: Pathogenic for Deficiency of ferroxidase. Last evaluated: 2019-07-16. Review status: criteria provided, single submitter. Criteria: Invitae Variant Classification Sherloc (09022015). Collection method: clinical testing. Allele origin: germline.
Comment: This sequence change affects an acceptor splice site in intron 17 of the CP gene. It is expected to disrupt RNA splicing and likely results in an absent or disrupted protein product. This variant is not present in population databases (ExAC no frequency). This variant has been observed to segregate with aceruloplasminemia in a family (PMID: 7539672). ClinVar contains an entry for this variant (Variation ID: 17559). Algorithms developed to predict the effect of sequence changes on RNA splicing suggest that this variant may disrupt the consensus splice site, but this prediction has not been confirmed by published transcriptional studies. Donor and acceptor splice site variants typically lead to a loss of protein function (PMID: 16199547), and loss-of-function variants in CP are known to be pathogenic (PMID: 16629161). For these reasons, this variant has been classified as Pathogenic.

GeneReviews
Classification: Pathogenic for Aceruloplasminemia. Last evaluated: 2013-04-18. Review status: no assertion criteria provided. Collection method: curation. Allele origin: unknown. Not counted in ClinVar's aggregate classification.
ClinVar note: Converted during submission from pathologic to Pathogenic.

OMIM
Classification: Pathogenic for ACERULOPLASMINEMIA. Last evaluated: 1995-03-01. Review status: no assertion criteria provided. Collection method: literature only. Allele origin: germline. Not counted in ClinVar's aggregate classification.

Literature cited by the submitters: PubMed 7539672 (cited by Labcorp Genetics (formerly Invitae), Labcorp and OMIM); PubMed 16199547 (cited by Labcorp Genetics (formerly Invitae), Labcorp); PubMed 16629161 (cited by Labcorp Genetics (formerly Invitae), Labcorp); PubMed 7755360 (cited by OMIM).